The following is an entry in ClinVar:

ClinVar aggregate classification (germline): Pathogenic (1 of 4 stars; one submission).

Submission:

Genetic Services Laboratory, University of Chicago
Classification: Pathogenic. Last evaluated: 2020-09-10. Review status: criteria provided, single submitter. Criteria: ACMG Guidelines, 2015. Collection method: clinical testing. Allele origin: germline. Affected: yes.
Comment: DNA sequence analysis of the GNAS gene demonstrated a one base pair insertion in exon 12, c.1012_1013insT. This pathogenic sequence change results in an amino acid frameshift and creates a premature stop codon 7 amino acids downstream of the mutation, p.Lys338Ilefs*7. This pathogenic sequence change is predicted to result in an abnormal transcript, which may be degraded, or may lead to the production of a truncated GNAS protein with potentially abnormal function. This pathogenic sequence change is the most likely cause of this patient's phenotype.

NM_000516.7(GNAS):c.1012_1013insT (p.Lys338fs)

Gene: GNAS (GNAS complex locus; plus strand). Cytogenetic location: 20q13.32.
Variant type: Insertion.
Coding change: c.1012_1013insT on transcript NM_000516.7 (MANE Select); coding-DNA positions 1012 to 1013, T inserted.
Protein change: p.Lys338fs; shifts the reading frame from lysine 338.
Molecular consequence: frameshift variant. On other transcripts: 3 prime UTR variant (2).
Genome position: GRCh38 VCF-style: chr20-58910375-A-AT. GRCh37 (hg19) VCF-style: chr20-57485430-A-AT.
Other names: c.1015_1016insT, p.Lys339fs (NM_001077488.5); c.967_968insT, p.Lys323fs (NM_001077489.4); c.*873_*874insT (NM_001077490.3); c.835_836insT, p.Lys279fs (NM_001309840.2, NM_001309861.2); c.*918_*919insT (NM_016592.5); c.2941_2942insT, p.Lys981fs (NM_080425.4); c.970_971insT, p.Lys324fs (NM_080426.4); short protein forms K279fs, K323fs, K324fs, K338fs, K339fs, K981fs.
Identifiers: ClinVar variation 1338608 (VCV001338608.4), dbSNP rs2146300173, ClinGen allele CA2573054894.